The following is an entry in ClinVar:

ClinVar aggregate classification (germline): Likely pathogenic. Review status: criteria provided, single submitter (1 of 4 stars). 2 submissions from 2 submitters: Likely pathogenic (1). 1 of the submissions does not count toward it.

Conditions:
Familial juvenile hyperuricemic nephropathy type 1 (ADTKD1). Also called: Autosomal Dominant Tubulointerstitial Kidney Disease – UMOD; Glomerulocystic kidney disease with hyperuricemia and isosthenuria; Medullary cystic kidney disease 2; UMOD-Associated Kidney Disease; Uromodulin-associated kidney disease. Identifiers: Orphanet 209886, Orphanet 34149, Orphanet 88950, MedGen C4551496, MONDO:0008073, OMIM 162000.

Submissions (2):

3billion
Classification: Likely pathogenic for Familial juvenile hyperuricemic nephropathy type 1. Review status: criteria provided, single submitter. Criteria: ACMG Guidelines, 2015. Collection method: clinical testing. Allele origin: unknown. Affected: yes. Observed: 1 heterozygote.
Comment: The variant is not observed in the gnomAD v2.1.1 dataset. Missense changes are a common disease-causing mechanism. In silico tool predictions suggest damaging effect of the variant on gene or gene product (REVEL: 0.66; 3Cnet: 0.59). Same nucleotide change resulting in same amino acid change has been previously reported as pathogenic/likely pathogenic with strong evidence (PMID: 18004297). Therefore, this variant is classified as Likely pathogenic according to the recommendation of ACMG/AMP guideline.

GeneReviews
No classification provided. Condition: Familial juvenile hyperuricemic nephropathy type 1. Review status: no classification provided. Collection method: literature only. Allele origin: germline. Not counted in ClinVar's aggregate classification.
Comment: Possible association with Early onset of ESRD

Literature cited by the submitters: PubMed 18004297 (cited by 3billion); PubMed 32954071 (cited by GeneReviews).

NM_003361.4(UMOD):c.808G>T (p.Gly270Cys)

Gene: UMOD (uromodulin; minus strand). Cytogenetic location: 16p12.3.
Variant type: single nucleotide variant.
Coding change: c.808G>T on transcript NM_003361.4 (MANE Select); coding-DNA position 808, G replaced by T.
Protein change: p.Gly270Cys; replaces glycine 270 with cysteine.
Molecular consequence: missense variant. On other transcripts: non-coding transcript variant (1).
Genome position (GRCh38, 1-based): chr16:20,348,493, C>A on the plus strand (G>T on the coding strand, the complement: UMOD is on the minus strand). VCF-style: chr16-20348493-C-A. GRCh37 (hg19) VCF-style: chr16-20359815-C-A.
Other names: c.808G>T, p.Gly270Cys (NM_001008389.3, NM_001378232.1, NM_001378233.1 and 3 more transcripts); c.907G>T, p.Gly303Cys (NM_001278614.2); short protein forms G270C, G303C.
Identifiers: ClinVar variation 1312494 (VCV001312494.5), dbSNP rs781101544, ClinGen allele CA394984317.